The following is an entry in ClinVar:

NM_000093.5(COL5A1):c.3865G>A (p.Glu1289Lys)

Gene: COL5A1 (collagen type V alpha 1 chain; plus strand). Cytogenetic location: 9q34.3.
Variant type: single nucleotide variant.
Coding change: c.3865G>A on transcript NM_000093.5 (MANE Select); coding-DNA position 3865, G replaced by A.
Protein change: p.Glu1289Lys; replaces glutamic acid 1289 with lysine.
Molecular consequence: missense variant.
Genome position (GRCh38, 1-based): chr9:134,813,995, G>A. VCF-style: chr9-134813995-G-A. GRCh37 (hg19) VCF-style: chr9-137705841-G-A.
Other names: c.3865G>A (NM_000093.3); c.3865G>A, p.Glu1289Lys (NM_001278074.1); short protein forms E1289K.
Identifiers: ClinVar variation 1805278 (VCV001805278.22), dbSNP rs1462929012, ClinGen allele CA375455365.
Genomic context (GRCh38, chr9:134,813,995, plus strand): 5'-TCATCGCGGTGCTCACCGCTGCCATAACCACATGCACTGTCTCCCTAGGGCGAGCCTGGC[G>A]AAGCAGGTGAGCCTGGCCTTCCGGGAGAAGGCGGCCCCCCGGTGAGTGAGCGGGCGCTGC-3'
Protein context (NP_000084.3, residues 1279-1299): GAVGEKGEPG[Glu1289Lys]AGEPGLPGEG

ClinVar aggregate classification (germline): Conflicting classifications of pathogenicity. Review status: criteria provided, conflicting classifications (1 of 4 stars). 4 submissions from 4 submitters: Uncertain significance (3); Likely benign (1). Last evaluated 2025-12-09.

Conditions:
Ehlers-Danlos syndrome, classic type, 1 (EDSCL1). Also called: Ehlers-Danlos syndrome, type 1; Ehlers-Danlos Syndrome, Classic Type, COL5A1-Related; EHLERS-DANLOS SYNDROME, GRAVIS TYPE; EHLERS-DANLOS SYNDROME, SEVERE CLASSIC TYPE; EDS I. Identifiers: MedGen C0268335, MONDO:0019567, OMIM 130000.

Allele frequency attached by ClinVar (database versions not stated): TOPMed below 0.00001; gnomAD 0.00001; gnomAD exomes 0.00001.
gnomAD v4.1: 9 of 1,550,918 alleles (0.00058%); highest among the groups gnomAD compares: Admixed American, 0.0039%; no homozygotes.

Submissions (4):

Labcorp Genetics (formerly Invitae), Labcorp
Classification: Likely benign for Ehlers-Danlos syndrome, classic type, 1. Last evaluated: 2025-12-09. Review status: criteria provided, single submitter. Criteria: Invitae Variant Classification Sherloc (09022015). Collection method: clinical testing. Allele origin: germline.

CeGaT Center for Human Genetics Tuebingen
Classification: Uncertain significance. Last evaluated: 2024-06-01. Review status: criteria provided, single submitter. Criteria: CeGaT Center For Human Genetics Tuebingen Variant Classification Criteria Version 2. Collection method: clinical testing. Allele origin: germline. Affected: yes. Observed: 1 variant allele.

GeneDx
Classification: Uncertain significance. Last evaluated: 2022-09-08. Review status: criteria provided, single submitter. Criteria: GeneDx Variant Classification Process June 2021. Collection method: clinical testing. Allele origin: germline. Affected: yes.
Comment: In silico analysis supports that this missense variant has a deleterious effect on protein structure/function; Occurs in the triple helical domain at the X position in the canonical Gly-X-Y repeat; although this variant may have an effect on normal protein folding and function, missense substitution at the X position is not a common mechanism of disease (Symoens et al., 2012; HGMD); Has not been previously published as pathogenic or benign to our knowledge; This variant is associated with the following publications: (PMID: 22696272)

Victorian Clinical Genetics Services, Murdoch Childrens Research Institute
Classification: Uncertain significance for Ehlers-Danlos syndrome, classic type, 1. Last evaluated: 2022-02-02. Review status: criteria provided, single submitter. Criteria: ACMG Guidelines, 2015. Collection method: clinical testing. Allele origin: germline. Inheritance: Autosomal dominant inheritance. Affected: yes.
Comment: Based on the classification scheme VCGS_Germline_v1.3.4, this variant is classified as VUS-3B. Following criteria are met: 0102 - Loss of function is a known mechanism of disease in this gene and is associated with classic type Ehlers-Danlos syndrome 1 (MIM#130000). Dominant negative is a suggested mechanism of disease (PMID: 32720758). (I) 0107 - This gene is associated with autosomal dominant disease. (I) 0200 - Variant is predicted to result in a missense amino acid change from glutamic acid to lysine. (I) 0251 - This variant is heterozygous. (I) 0302 - Variant is present in gnomAD (v2) <0.001 for a dominant condition (4 heterozygotes, 0 homozygotes). (SP) 0502 - Missense variant with conflicting in silico predictions and uninformative conservation. (I) 0600 - Variant is located in the annotated triple-helical repeat region (UniProt). This variant does not affect the glycine in the Gly-X-Y motif. (I) 0705 - No comparable missense variants have previous evidence for pathogenicity. (I) 0807 - This variant has no previous evidence of pathogenicity. (I) 0905 - No published segregation evidence has been identified for this variant. (I) 1007 - No published functional evidence has been identified for this variant. (I) 1208 - Inheritance information for this variant is not currently available in this individual. (I) Legend: (SP) - Supporting pathogenic, (I) - Information, (SB) - Supporting benign

Literature cited by the submitters: PubMed 32720758 (cited by Victorian Clinical Genetics Services, Murdoch Childrens Research Institute).